The following is an entry in ClinVar:

NM_003982.4(SLC7A7):c.704C>G (p.Ala235Gly)

Gene: SLC7A7 (solute carrier family 7 member 7; minus strand). Cytogenetic location: 14q11.2.
Variant type: single nucleotide variant.
Coding change: c.704C>G on transcript NM_003982.4 (MANE Select); coding-DNA position 704, C replaced by G.
Protein change: p.Ala235Gly; replaces alanine 235 with glycine.
Molecular consequence: missense variant.
Genome position (GRCh38, 1-based): chr14:22,778,859, G>C on the plus strand (C>G on the coding strand, the complement: SLC7A7 is on the minus strand). VCF-style: chr14-22778859-G-C. GRCh37 (hg19) VCF-style: chr14-23248068-G-C.
Other names: c.704C>G, p.Ala235Gly (NM_001126105.3, NM_001126106.4); short protein forms A235G.
Identifiers: ClinVar variation 962081 (VCV000962081.4), dbSNP rs755663586, ClinGen allele CA7104622.

ClinVar aggregate classification (germline): Uncertain significance (1 of 4 stars; one submission).

Conditions:
Lysinuric protein intolerance (LPI). Identifiers: Orphanet 470, MedGen C0268647, MONDO:0009109, OMIM 222700.

Allele frequency attached by ClinVar (database versions not stated): gnomAD exomes 0.00001 and 0.00002; ExAC 0.00002.
gnomAD v4.1: 9 of 1,614,210 alleles (0.00056%); highest among the groups gnomAD compares: Non-Finnish European, 0.00017%; no homozygotes.

Submission:

Labcorp Genetics (formerly Invitae), Labcorp
Classification: Uncertain significance for Lysinuric protein intolerance. Last evaluated: 2021-08-30. Review status: criteria provided, single submitter. Criteria: Invitae Variant Classification Sherloc (09022015). Collection method: clinical testing. Allele origin: germline.
Comment: This sequence change replaces alanine with glycine at codon 235 of the SLC7A7 protein (p.Ala235Gly). The alanine residue is moderately conserved and there is a small physicochemical difference between alanine and glycine. This variant is present in population databases (rs755663586, ExAC 0.02%). This variant has not been reported in the literature in individuals affected with SLC7A7-related conditions. Algorithms developed to predict the effect of missense changes on protein structure and function (SIFT, PolyPhen-2, Align-GVGD) all suggest that this variant is likely to be tolerated. Algorithms developed to predict the effect of sequence changes on RNA splicing suggest that this variant may create or strengthen a splice site. In summary, the available evidence is currently insufficient to determine the role of this variant in disease. Therefore, it has been classified as a Variant of Uncertain Significance.